The following is an entry in ClinVar:

NM_000138.5(FBN1):c.5296G>A (p.Asp1766Asn)

Gene: FBN1 (fibrillin 1; minus strand). Cytogenetic location: 15q21.1.
Variant type: single nucleotide variant.
Coding change: c.5296G>A on transcript NM_000138.5 (MANE Select); coding-DNA position 5296, G replaced by A.
Protein change: p.Asp1766Asn; replaces aspartic acid 1766 with asparagine.
Molecular consequence: missense variant.
Genome position (GRCh38, 1-based): chr15:48,460,246, C>T on the plus strand (G>A on the coding strand, the complement: FBN1 is on the minus strand). VCF-style: chr15-48460246-C-T. GRCh37 (hg19) VCF-style: chr15-48752443-C-T.
Other names: c.5296G>A, p.Asp1766Asn (NM_001406716.1); short protein forms D1766N.
Identifiers: ClinVar variation 3849175 (VCV003849175.2).

ClinVar aggregate classification (germline): Likely pathogenic (1 of 4 stars; one submission).

Conditions:
Familial thoracic aortic aneurysm and aortic dissection (TAAD). Also called: Thoracic aortic aneurysms and dissections. Identifiers: Orphanet 91387, MedGen C4707243, MONDO:0019625.

Submission:

Ambry Genetics
Classification: Likely pathogenic for Familial thoracic aortic aneurysm and aortic dissection. Last evaluated: 2025-07-15. Review status: criteria provided, single submitter. Criteria: Ambry Variant Classification Scheme 2023. Collection method: clinical testing. Allele origin: germline.
Comment: The p.D1766N variant (also known as c.5296G>A), located in coding exon 42 of the FBN1 gene, results from a G to A substitution at nucleotide position 5296. The amino acid change results in aspartic acid to asparagine at codon 1766, an amino acid with highly similar properties. However, this change occurs in the last base pair of coding exon 42, which makes it likely to have some effect on normal mRNA splicing. This variant was reported in individuals with features consistent with Marfan syndrome and related fibrillinopathies (Tan L et al. Hum Mol Genet, 2017 Dec;26:4814-4822; Ambry internal data). This nucleotide position is highly conserved in available vertebrate species. This amino acid position is highly conserved in available vertebrate species. In silico splice site analysis predicts that this alteration will weaken the native splice donor site. In addition, as a missense substitution this is predicted to be inconclusive by in silico analysis. This variant is considered to be rare based on population cohorts in the Genome Aggregation Database (gnomAD). Based on the majority of available evidence to date, this variant is likely to be pathogenic.

Literature cited by the submitters: PubMed 28973303.